The following is an entry in ClinVar:

NM_002451.4(MTAP):c.*1729G>A

Gene: MTAP (methylthioadenosine phosphorylase; plus strand). Cytogenetic location: 9p21.3.
Variant type: single nucleotide variant.
Coding change: c.*1729G>A on transcript NM_002451.4 (MANE Select); 1729 bases downstream of the stop codon, G replaced by A.
Molecular consequence: 3 prime UTR variant.
Genome position (GRCh38, 1-based): chr9:21,863,743, G>A. VCF-style: chr9-21863743-G-A. GRCh37 (hg19) VCF-style: chr9-21863742-G-A.
Identifiers: ClinVar variation 366284 (VCV000366284.5), dbSNP rs182527165, ClinGen allele CA10633532.

ClinVar aggregate classification (germline): Benign (1 of 4 stars; one submission).

Conditions:
Diaphyseal medullary stenosis-bone malignancy syndrome. Also called: MYOPATHY, LIMB-GIRDLE, WITH BONE FRAGILITY; BONE DYSPLASIA WITH MALIGNANT FIBROUS HISTIOCYTOMA; BONE DYSPLASIA WITH MEDULLARY FIBROSARCOMA. Identifiers: Orphanet 85182, MedGen C1862177, MONDO:0007205, OMIM 112250.

Allele frequency attached by ClinVar (database versions not stated): gnomAD exomes 0.00006; gnomAD 0.00036 and 0.00053; TOPMed 0.00077; 1000 Genomes Project 30x 0.00328; 1000 Genomes Project 0.00359.
gnomAD v4.1: 139 of 985,812 alleles (0.014%); highest among the groups gnomAD compares: East Asian, 1.4%; no homozygotes.

Submission:

Illumina Laboratory Services, Illumina
Classification: Benign for Diaphyseal medullary stenosis-bone malignancy syndrome. Last evaluated: 2018-01-12. Review status: criteria provided, single submitter. Criteria: ICSL Variant Classification Criteria 13 December 2019. Collection method: clinical testing. Allele origin: germline.
Comment: This variant was observed in the ICSL laboratory as part of a predisposition screen in an ostensibly healthy population. It had not been previously curated by ICSL or reported in the Human Gene Mutation Database (HGMD: prior to June 1st, 2018), and was therefore a candidate for classification through an automated scoring system. Utilizing variant allele frequency, disease prevalence and penetrance estimates, and inheritance mode, an automated score was calculated to assess if this variant is too frequent to cause the disease. Based on the score and internal cut-off values, a variant classified as benign is not then subjected to further curation. The score for this variant resulted in a classification of benign for this disease.